The following is an entry in ClinVar:

NM_005629.4(SLC6A8):c.1262G>A (p.Gly421Asp)

Gene: SLC6A8 (solute carrier family 6 member 8; plus strand). Cytogenetic location: Xq28.
Variant type: single nucleotide variant.
Coding change: c.1262G>A on transcript NM_005629.4 (MANE Select); coding-DNA position 1262, G replaced by A.
Protein change: p.Gly421Asp; replaces glycine 421 with aspartic acid.
Molecular consequence: missense variant.
Genome position (GRCh38, 1-based): chrX:153,694,137, G>A. VCF-style: chrX-153694137-G-A. GRCh37 (hg19) VCF-style: chrX-152959592-G-A.
Other names: NM_005629.4(SLC6A8):c.1262G>A; p.Gly421Asp; c.1232G>A, p.Gly411Asp (NM_001142805.2); c.917G>A, p.Gly306Asp (NM_001142806.1); short protein forms G421D, G411D, G306D.
Identifiers: ClinVar variation 427187 (VCV000427187.13), dbSNP rs1085308011, ClinGen allele CA415086679.
Genomic context (GRCh38, chrX:153,694,137, plus strand): 5'-AGGAAAGGGGTGGAGGGCGGTGCGGGGCTCGGCCTGAGCTGCCCTGGCCACAGTTTGTAG[G>A]TGTGGAGGGCTTCATCACCGGCCTCCTCGACCTCCTCCCGGCCTCCTACTACTTCCGTTT-3'
Protein context (NP_005620.1, residues 411-431): LLLGLDSQFV[Gly421Asp]VEGFITGLLD

ClinVar aggregate classification (germline): Uncertain significance. Review status: reviewed by expert panel (3 of 4 stars). 3 submissions from 3 submitters: Uncertain significance (1). 2 of the submissions do not count toward it. Last evaluated 2026-04-28.

Conditions:
Creatine transporter deficiency (CCDS1). Also called: Creatine Transporter (CRTR) Deficiency; Mental retardation , X-linked with seizures, short stature and midface hypoplasia; Mental retardation , X-linked, with creatine transport deficiency; X-linked creatine transporter deficiency; X-linked creatine deficiency syndrome; SLC6A8-Related Creatine Transporter Deficiency. Identifiers: Orphanet 52503, MedGen C1845862, MONDO:0010305, OMIM 300352.

Submissions (3):

ClinGen Cerebral Creatine Deficiency Syndromes Variant Curation Expert Panel, ClinGen
Classification: Uncertain significance for Creatine transporter deficiency. Last evaluated: 2026-04-28. Review status: reviewed by expert panel. Criteria: ClinGen_CCDS_ACMG_Specifications_SLC6A8_v1.1. Collection method: curation. Allele origin: germline. Inheritance: X-linked inheritance.
Comment: The NM_005629.4:c.1262G>A variant in SLC6A8 is a missense variant predicted to cause the substitution of a glycine for an aspartate at amino acid position 421 (p.Gly421Asp). To our knowledge, this variant has not been reported in the literature and no functional studies are available. This variant is absent in gnomAD v4.0.1. (PM2_Supporting). The computational predictor REVEL gives a score of 0.585, which is less than the ClinGen CCDS VCEP’s threshold for PP3 (>0.75) but greater than the ClinGen CCDS VCEP’s threshold for BP4 (<0.2), such that neither of these criteria are met. Another variant at the same amino acid position, c.1261G>C (p.Gly421Arg) (ClinVar Variation ID: 3066436) has been classified as a variant of uncertain significance by the ClinGen CCDS VCEP (PM5_Not Met). There is a ClinVar entry for this variant (Variation ID: 427187). In summary, this variant meets criteria to be classified as a variant of uncertain significance for creatine transporter deficiency. SLC6A8-specific ACMG/AMP criteria applied, as specified by the ClinGen CCDS VCEP (Specifications Version 1.2.0): PM2_Supporting. (Classification approved by the ClinGen Cerebral Creatine Deficiencies Variant Curation Expert Panel, April 28, 2026)

GeneDx
Classification: Likely pathogenic. Last evaluated: 2025-07-14. Review status: criteria provided, single submitter. Criteria: GeneDx Variant Classification Process June 2021. Collection method: clinical testing. Allele origin: germline. Affected: yes. Not counted in ClinVar's aggregate classification.
Comment: Not observed at significant frequency in large population cohorts (gnomAD); In silico analysis supports that this missense variant has a deleterious effect on protein structure/function; In silico analysis is inconclusive as to whether the variant alters gene splicing. In the absence of RNA/functional studies, the actual effect of this sequence change is unknown.; Has not been previously published as pathogenic or benign to our knowledge

Labcorp Genetics (formerly Invitae), Labcorp
Classification: Uncertain significance for Creatine transporter deficiency. Last evaluated: 2020-11-11. Review status: criteria provided, single submitter. Criteria: Invitae Variant Classification Sherloc (09022015). Collection method: clinical testing. Allele origin: germline. Not counted in ClinVar's aggregate classification.
Comment: Advanced modeling of protein sequence and biophysical properties (such as structural, functional, and spatial information, amino acid conservation, physicochemical variation, residue mobility, and thermodynamic stability) performed at Invitae indicates that this missense variant is not expected to disrupt SLC6A8 protein function. In summary, the available evidence is currently insufficient to determine the role of this variant in disease. Therefore, it has been classified as a Variant of Uncertain Significance. This variant has not been reported in the literature in individuals with SLC6A8-related conditions. ClinVar contains an entry for this variant (Variation ID: 427187). This variant is not present in population databases (ExAC no frequency). This sequence change replaces glycine with aspartic acid at codon 421 of the SLC6A8 protein (p.Gly421Asp). The glycine residue is highly conserved and there is a moderate physicochemical difference between glycine and aspartic acid.